The following is an entry in ClinVar:

NM_003764.4(STX11):c.697del (p.Val233fs)

Gene: STX11 (syntaxin 11; plus strand). Cytogenetic location: 6q24.2.
Variant type: Deletion.
Coding change: c.697del on transcript NM_003764.4 (MANE Select); coding-DNA position 697, one base deleted (G; older notation c.697delG).
Protein change: p.Val233fs; shifts the reading frame from valine 233.
Molecular consequence: frameshift variant.
Genome position (GRCh38, 1-based): chr6:144,187,324, G deleted; the last of 2 consecutive G bases (chr6:144,187,323-144,187,324); deleting either gives the same sequence. VCF-style (leftmost placement, unchanged base first): chr6-144187322-CG-C. GRCh37 (hg19) VCF-style: chr6-144508459-CG-C.
Other names: c.697delG (NM_003764.4); short protein forms V233fs.
Identifiers: ClinVar variation 2679066 (VCV002679066.4), dbSNP rs1013453454, ClinGen allele CA149823958.

ClinVar aggregate classification (germline): Pathogenic/Likely pathogenic. Review status: criteria provided, multiple submitters, no conflicts (2 of 4 stars). 3 submissions from 3 submitters: Pathogenic (2); Likely pathogenic (1). Last evaluated 2026-06-15.

Conditions:
Familial hemophagocytic lymphohistiocytosis (FHL). Also called: Familial erythrophagocytic lymphohistiocytosis; Familial histiocytic reticulosis; Hereditary hemophagocytic lymphohistiocytosis. Identifiers: Orphanet 158038, Orphanet 540, MedGen C0272199, MONDO:0015541.
Familial hemophagocytic lymphohistiocytosis 4 (FHL4). Also called: STX11-Related Familial Hemophagocytic Lymphohistiocytosis (STX11-fHLH). Identifiers: Orphanet 540, MedGen C1863728, MONDO:0011336, OMIM 603552.

Submissions (3):

Women's Health and Genetics/Laboratory Corporation of America, LabCorp
Classification: Pathogenic for Familial hemophagocytic lymphohistiocytosis. Last evaluated: 2026-06-15. Review status: criteria provided, single submitter. Criteria: LabCorp Variant Classification Summary - May 2015. Collection method: clinical testing. Allele origin: germline.
Comment: Variant summary: STX11 c.697delG (p.Val233CysfsX10) results in a premature termination codon. While this is not anticipated to result in nonsense mediated decay, it is expected to disrupt the last 55 amino acid(s) of the STX11 protein. The frequency data for this variant in gnomAD is considered unreliable, as metrics indicate poor data quality at this position. To our knowledge, no occurrence of c.697delG in individuals affected with STX11-related conditions and no experimental evidence demonstrating its impact on protein function have been reported. At least one downstream variant has been determined to be pathogenic (p.Q268*), providing evidence that the region altered by the variant is critical to protein function. ClinVar contains an entry for this variant (Variation ID: 2679066). Based on the evidence outlined above, the variant was classified as pathogenic.

Labcorp Genetics (formerly Invitae), Labcorp
Classification: Pathogenic for Familial hemophagocytic lymphohistiocytosis 4. Last evaluated: 2025-03-20. Review status: criteria provided, single submitter. Criteria: Invitae Variant Classification Sherloc (09022015). Collection method: clinical testing. Allele origin: germline.
Comment: This sequence change creates a premature translational stop signal (p.Val233Cysfs*10) in the STX11 gene. While this is not anticipated to result in nonsense mediated decay, it is expected to disrupt the last 55 amino acid(s) of the STX11 protein. This variant is not present in population databases (gnomAD no frequency). This variant has not been reported in the literature in individuals affected with STX11-related conditions. ClinVar contains an entry for this variant (Variation ID: 2679066). Algorithms developed to predict the effect of sequence changes on RNA splicing suggest that this variant may create or strengthen a splice site. This variant disrupts a region of the STX11 protein in which other variant(s) (p.Gln268*) have been determined to be pathogenic (PMID: 15703195, 16582076). This suggests that this is a clinically significant region of the protein, and that variants that disrupt it are likely to be disease-causing. For these reasons, this variant has been classified as Pathogenic.

Baylor Genetics
Classification: Likely pathogenic for Familial hemophagocytic lymphohistiocytosis 4. Last evaluated: 2024-01-24. Review status: criteria provided, single submitter. Criteria: ACMG Guidelines, 2015. Collection method: clinical testing. Allele origin: unknown.

Literature cited by the submitters: PubMed 15703195 (cited by Labcorp Genetics (formerly Invitae), Labcorp); PubMed 16582076 (cited by Labcorp Genetics (formerly Invitae), Labcorp).